The following is an entry in ClinVar:

ClinVar aggregate classification (germline): Uncertain significance (1 of 4 stars; one submission).

Submission:

GeneDx
Classification: Uncertain significance. Last evaluated: 2023-12-13. Review status: criteria provided, single submitter. Criteria: GeneDx Variant Classification Process June 2021. Collection method: clinical testing. Allele origin: germline. Affected: yes.
Comment: Not observed at significant frequency in large population cohorts (gnomAD); In silico analysis supports that this missense variant has a deleterious effect on protein structure/function; Has not been previously published as pathogenic or benign to our knowledge

NM_006922.4(SCN3A):c.5294T>C (p.Met1765Thr)

Gene: SCN3A (sodium voltage-gated channel alpha subunit 3; minus strand). Cytogenetic location: 2q24.3.
Variant type: single nucleotide variant.
Coding change: c.5294T>C on transcript NM_006922.4 (MANE Select); coding-DNA position 5294, T replaced by C.
Protein change: p.Met1765Thr; replaces methionine 1765 with threonine.
Molecular consequence: missense variant.
Genome position (GRCh38, 1-based): chr2:165,090,859, A>G on the plus strand (T>C on the coding strand, the complement: SCN3A is on the minus strand). VCF-style: chr2-165090859-A-G. GRCh37 (hg19) VCF-style: chr2-165947369-A-G.
Other names: c.5147T>C, p.Met1716Thr (NM_001081676.2, NM_001081677.2); short protein forms M1716T, M1765T.
Identifiers: ClinVar variation 3365760 (VCV003365760.1).
Genomic context (GRCh38, chr2:165,090,859, plus strand): 5'-AGGGGCTCTGCACTTTCTTCAGTAGCAACACTGAAGTTCTCCAGGATGACCGCGATGTAC[A>G]TGTTCACCACAACCAGGAAGGATATGATGATGTAACTGACAAAAAAGAAAATCCCAACAG-3'
Protein context (NP_008853.3, residues 1755-1775): IIISFLVVVN[Met1765Thr]YIAVILENFS